The following is an entry in ClinVar:

ClinVar aggregate classification (germline): Uncertain significance (1 of 4 stars; one submission).

Conditions:
Hereditary cancer-predisposing syndrome. Also called: Neoplastic Syndromes, Hereditary; Tumor predisposition; Hereditary neoplastic syndrome; Hereditary Cancer Syndrome. Identifiers: Orphanet 140162, MedGen C0027672, MeSH D009386, MONDO:0015356.

Submission:

Ambry Genetics
Classification: Uncertain significance for Hereditary cancer-predisposing syndrome. Last evaluated: 2026-07-06. Review status: criteria provided, single submitter. Criteria: Ambry Variant Classification Scheme 2023. Collection method: clinical testing. Allele origin: germline.
Comment: The p.I867S variant (also known as c.2600T>G), located in coding exon 19 of the MSH3 gene, results from a T to G substitution at nucleotide position 2600. The isoleucine at codon 867 is replaced by serine, an amino acid with dissimilar properties. This amino acid position is conserved. In addition, this alteration is predicted to be deleterious by in silico analysis. Based on the available evidence, the clinical significance of this variant remains unclear.

NM_002439.5(MSH3):c.2600T>G (p.Ile867Ser)

Gene: MSH3 (mutS homolog 3; plus strand). Cytogenetic location: 5q14.1.
Variant type: single nucleotide variant.
Coding change: c.2600T>G on transcript NM_002439.5 (MANE Select); coding-DNA position 2600, T replaced by G.
Protein change: p.Ile867Ser; replaces isoleucine 867 with serine.
Molecular consequence: missense variant.
Genome position (GRCh38, 1-based): chr5:80,792,789, T>G. VCF-style: chr5-80792789-T-G. GRCh37 (hg19) VCF-style: chr5-80088608-T-G.
Other names: short protein forms I867S.
Identifiers: ClinVar variation 5024777 (VCV005024777.1).